The following is an entry in ClinVar:

NM_000059.4(BRCA2):c.3116CTA[1] (p.Thr1040del)

Gene: BRCA2 (BRCA2 DNA repair associated; plus strand). Cytogenetic location: 13q13.1.
Variant type: Microsatellite.
Coding change: c.3116CTA[1] on transcript NM_000059.4 (MANE Select); one copy of the 3-base unit CTA starting at c.3116; the reference has two copies in a row; one copy, 3 bases deleted; also written c.3119_3121del.
Protein change: p.Thr1040del; deletes threonine 1040.
Molecular consequence: inframe deletion.
Genome position (GRCh38, 1-based): chr13:32,337,474-32,337,476, CTA deleted; deleting any 3 consecutive bases within chr13:32,337,471-32,337,476 gives the same sequence; the position shown is the placement nearest the transcript's 3' end. VCF-style (leftmost placement, unchanged base first): chr13-32337470-CCTA-C. GRCh37 (hg19) VCF-style: chr13-32911607-CCTA-C.
Other names: c.3119_3121delCTA (NM_000059.3); c.3119_3121del (NM_000059.4); short protein forms T1040del.
Identifiers: ClinVar variation 422639 (VCV000422639.16), dbSNP rs1064795908, ClinGen allele CA16619685.

ClinVar aggregate classification (germline): Uncertain significance. Review status: criteria provided, multiple submitters, no conflicts (2 of 4 stars). 5 submissions from 5 submitters: Uncertain significance (5). Last evaluated 2025-02-03.

Conditions:
Hereditary breast ovarian cancer syndrome. Also called: BRCA1- and BRCA2-Associated Hereditary Breast and Ovarian Cancer; Hereditary breast and/or ovarian cancer syndrome; Hereditary breast and ovarian cancer syndrome; Hereditary breast and ovarian cancer; Hereditary breast and ovarian cancer syndrome (HBOC); Breast and ovarian cancer. Identifiers: Orphanet 145, MedGen C0677776, MeSH D061325, MONDO:0003582. Disease mechanism: loss of function.
Hereditary cancer-predisposing syndrome. Also called: Hereditary neoplastic syndrome; Neoplastic Syndromes, Hereditary; Tumor predisposition; Hereditary Cancer Syndrome. Identifiers: Orphanet 140162, MedGen C0027672, MeSH D009386, MONDO:0015356.
Familial cancer of breast. Also called: Hereditary breast cancer; BREAST CANCER, FAMILIAL; hereditary breast carcinoma. Identifiers: Orphanet 227535, MedGen C0346153, MONDO:0016419, OMIM 114480. Disease mechanism: loss of function.

Submissions (5):

Labcorp Genetics (formerly Invitae), Labcorp
Classification: Uncertain significance for Hereditary breast ovarian cancer syndrome. Last evaluated: 2025-02-03. Review status: criteria provided, single submitter. Criteria: Invitae Variant Classification Sherloc (09022015). Collection method: clinical testing. Allele origin: germline.
Comment: This variant, c.3119_3121del, results in the deletion of 1 amino acid(s) of the BRCA2 protein (p.Thr1040del), but otherwise preserves the integrity of the reading frame. This variant is not present in population databases (gnomAD no frequency). This variant has not been reported in the literature in individuals affected with BRCA2-related conditions. Experimental studies and prediction algorithms are not available or were not evaluated, and the functional significance of this variant is currently unknown. In summary, the available evidence is currently insufficient to determine the role of this variant in disease. Therefore, it has been classified as a Variant of Uncertain Significance.

Ambry Genetics
Classification: Uncertain significance for Hereditary cancer-predisposing syndrome. Last evaluated: 2023-07-15. Review status: criteria provided, single submitter. Criteria: Ambry Variant Classification Scheme 2023. Collection method: clinical testing. Allele origin: germline.
Comment: The c.3119_3121delCTA variant (also known as p.T1040del) is located in coding exon 10 of the BRCA2 gene. This variant results from an in-frame CTA deletion at nucleotide positions 3119 to 3121. This results in the in-frame deletion of a threonine at codon 1040. This amino acid position is not well conserved in available vertebrate species. In addition, this alteration is predicted to be deleterious by in silico analysis (Choi Y et al. PLoS ONE. 2012; 7(10):e46688). Since supporting evidence is limited at this time, the clinical significance of this alteration remains unclear.

Baylor Genetics
Classification: Uncertain significance for Familial cancer of breast. Last evaluated: 2023-06-28. Review status: criteria provided, single submitter. Criteria: ACMG Guidelines, 2015. Collection method: clinical testing. Allele origin: unknown.

Women's Health and Genetics/Laboratory Corporation of America, LabCorp
Classification: Uncertain significance. Last evaluated: 2018-11-26. Review status: criteria provided, single submitter. Criteria: LabCorp Variant Classification Summary - May 2015. Collection method: clinical testing. Allele origin: germline.
Comment: Variant summary: BRCA2 c.3119_3121delCTA (p.Thr1040del) results in an in-frame deletion that is predicted to remove a Thr amino acid from the encoded protein. The variant was absent in 274500 control chromosomes (gnomAD). The available data on variant occurrences in the general population are insufficient to allow any conclusion about variant significance. To our knowledge, no occurrence of c.3119_3121delCTA in individuals affected with Hereditary Breast and Ovarian Cancer and no experimental evidence demonstrating its impact on protein function have been reported. Two ClinVar submissions from clinical diagnostic laboratories (evaluation after 2014) cite the variant as uncertain significance. Based on the evidence outlined above, the variant was classified as uncertain significance.

GeneDx
Classification: Uncertain significance. Last evaluated: 2016-10-27. Review status: criteria provided, single submitter. Criteria: GeneDx Variant Classification (06012015). Collection method: clinical testing. Allele origin: germline. Affected: yes.
Comment: This in-frame deletion of 3 nucleotides in BRCA2 is denoted c.3119_3121delCTA at the cDNA level and p.Thr1040del (T1040del) at the protein level. Using alternate nomenclature, this variant would be defined as BRCA2 3347_3349delCTA. The normal sequence, with the bases that are deleted in braces, is CCTA[CTA]GTTT. This deletion of a single Threonine residue occurs at a position that is not conserved and is located in the RAD51 binding domain (Roy 2012). This variant has not, to our knowledge, been published in the literature as pathogenic or benign. BRCA2 Thr1040del was not observed in approximately 6,500 individuals of European and African American ancestry in the NHLBI Exome Sequencing Project, suggesting it is not a common benign variant in these populations. Since in-frame deletions may or may not inhibit proper protein functioning, the clinical significance of this finding remains unclear at this time. We consider BRCA2 Thr1040del to be a variant of uncertain significance.